The following is an entry in ClinVar:

NM_005140.3(CNGA2):c.1378G>A (p.Ala460Thr)

Gene: CNGA2 (cyclic nucleotide gated channel subunit alpha 2; plus strand). Cytogenetic location: Xq28.
Variant type: single nucleotide variant.
Coding change: c.1378G>A on transcript NM_005140.3 (MANE Select); coding-DNA position 1378, G replaced by A.
Protein change: p.Ala460Thr; replaces alanine 460 with threonine.
Molecular consequence: missense variant.
Genome position (GRCh38, 1-based): chrX:151,743,881, G>A. VCF-style: chrX-151743881-G-A. GRCh37 (hg19) VCF-style: chrX-150912353-G-A.
Other names: short protein forms A460T.
Identifiers: ClinVar variation 4813088 (VCV004813088.1).

ClinVar aggregate classification (germline): Uncertain significance (1 of 4 stars; one submission).

Conditions:
Congenital portosystemic shunt. Identifiers: Orphanet 480531, MedGen C1290495, MONDO:0018811.

gnomAD v4.1: 134 of 1,209,367 alleles (0.011%); highest among the groups gnomAD compares: East Asian, 0.35%; no homozygotes.

Submission:

Department of Pediatrics, Graduate School of Medical Sciences, Kyushu University
Classification: Uncertain significance for Congenital portosystemic shunt. Last evaluated: 2026-02-27. Review status: criteria provided, single submitter. Criteria: ACMG Guidelines, 2015. Collection method: research. Allele origin: germline. Affected: yes.
Comment: The variant is absent or extremely rare in population databases including gnomAD. In silico prediction tools, including CADD, suggest a deleterious effect on the protein. However, the association between this gene and CPSS has not been established. Therefore, the clinical significance of this variant is currently classified as a variant of uncertain significance (VUS).